The following is an entry in ClinVar:

ClinVar aggregate classification (germline): Uncertain significance (1 of 4 stars; one submission).

Submission:

GeneDx
Classification: Uncertain significance. Last evaluated: 2025-06-24. Review status: criteria provided, single submitter. Criteria: GeneDx Variant Classification Process June 2021. Collection method: clinical testing. Allele origin: germline. Affected: yes.
Comment: Not observed at significant frequency in large population cohorts (gnomAD); In silico analysis suggests that this missense variant does not alter protein structure/function; Has not been previously published as pathogenic or benign to our knowledge

NM_021956.5(GRIK2):c.536G>A (p.Ser179Asn)

Gene: GRIK2 (glutamate ionotropic receptor kainate type subunit 2; plus strand). Cytogenetic location: 6q16.3.
Variant type: single nucleotide variant.
Coding change: c.536G>A on transcript NM_021956.5 (MANE Select); coding-DNA position 536, G replaced by A.
Protein change: p.Ser179Asn; replaces serine 179 with asparagine.
Molecular consequence: missense variant.
Genome position (GRCh38, 1-based): chr6:101,626,632, G>A. VCF-style: chr6-101626632-G-A. GRCh37 (hg19) VCF-style: chr6-102074507-G-A.
Other names: c.536G>A, p.Ser179Asn (NM_175768.3, NM_001166247.1); short protein forms S179N.
Identifiers: ClinVar variation 4540157 (VCV004540157.1).